The following is an entry in ClinVar:

ClinVar aggregate classification (germline): Uncertain significance. Review status: criteria provided, multiple submitters, no conflicts (2 of 4 stars). 2 submissions from 2 submitters: Uncertain significance (2). Last evaluated 2023-12-13.

Conditions:
Inborn genetic diseases. Identifiers: MedGen C0950123, MeSH D030342.
Heterotaxy, visceral, 6, autosomal (HTX6). Also called: Heterotaxy, visceral, 6, autosomal recessive. Identifiers: Orphanet 450, MedGen C3553676, MONDO:0013887, OMIM 614779.

Allele frequency attached by ClinVar (database versions not stated): ExAC 0.00002; TOPMed 0.00001.
gnomAD v4.1: 23 of 1,613,954 alleles (0.0014%); highest among the groups gnomAD compares: South Asian, 0.0022%; no homozygotes.

Submissions (2):

Ambry Genetics
Classification: Uncertain significance for Inborn genetic diseases. Last evaluated: 2023-12-13. Review status: criteria provided, single submitter. Criteria: Ambry Variant Classification Scheme 2023. Collection method: clinical testing. Allele origin: germline.

Labcorp Genetics (formerly Invitae), Labcorp
Classification: Uncertain significance for Heterotaxy, visceral, 6, autosomal. Last evaluated: 2018-12-11. Review status: criteria provided, single submitter. Criteria: Invitae Variant Classification Sherloc (09022015). Collection method: clinical testing. Allele origin: germline.
Comment: This sequence change replaces arginine with histidine at codon 505 of the CFAP53 protein (p.Arg505His). TheÂ¬â€ arginineÂ¬â€ residue is highly conserved and there is a small physicochemical difference betweenÂ¬â€ arginineÂ¬â€ and histidine. This variant is present in population databases (rs766960984, ExAC 0.009%). This variant has not been reported in the literature in individuals with CFAP53-related conditions. Algorithms developed to predict the effect of missense changes on protein structure and function are either unavailable or do not agree on the potential impact of this missense change (SIFT: "Deleterious"; PolyPhen-2: "Probably Damaging"; Align-GVGD: "Class C0"). In summary, the available evidence is currently insufficient to determine the role of this variant in disease. Therefore, it has been classified as a Variant of Uncertain Significance.

NM_145020.5(CFAP53):c.1514G>A (p.Arg505His)

Gene: CFAP53 (cilia and flagella associated protein 53; minus strand). Cytogenetic location: 18q21.1.
Variant type: single nucleotide variant.
Coding change: c.1514G>A on transcript NM_145020.5 (MANE Select); coding-DNA position 1514, G replaced by A.
Protein change: p.Arg505His; replaces arginine 505 with histidine.
Molecular consequence: missense variant.
Genome position (GRCh38, 1-based): chr18:50,227,412, C>T on the plus strand (G>A on the coding strand, the complement: CFAP53 is on the minus strand). VCF-style: chr18-50227412-C-T. GRCh37 (hg19) VCF-style: chr18-47753782-C-T.
Other names: short protein forms R505H.
Identifiers: ClinVar variation 651324 (VCV000651324.2), dbSNP rs766960984, ClinGen allele CA8962081.